The following is an entry in ClinVar:

ClinVar aggregate classification (germline): Uncertain significance (1 of 4 stars; one submission).

Allele frequency attached by ClinVar (database versions not stated): gnomAD exomes 0.00001 and 0.00004.
gnomAD v4.1: 27 of 1,533,916 alleles (0.0018%); highest among the groups gnomAD compares: East Asian, 0.012%; no homozygotes.

Submission:

Labcorp Genetics (formerly Invitae), Labcorp
Classification: Uncertain significance. Last evaluated: 2021-10-10. Review status: criteria provided, single submitter. Criteria: Invitae Variant Classification Sherloc (09022015). Collection method: clinical testing. Allele origin: germline.
Comment: This sequence change replaces arginine with histidine at codon 799 of the ARMC9 protein (p.Arg799His). The arginine residue is weakly conserved and there is a small physicochemical difference between arginine and histidine. The frequency data for this variant in the population databases is considered unreliable, as metrics indicate insufficient coverage at this position in the ExAC database. This variant has not been reported in the literature in individuals affected with ARMC9-related conditions. Experimental studies and prediction algorithms are not available or were not evaluated, and the functional significance of this variant is currently unknown. In summary, the available evidence is currently insufficient to determine the role of this variant in disease. Therefore, it has been classified as a Variant of Uncertain Significance.

NM_001352754.2(ARMC9):c.2396G>A (p.Arg799His)

Gene: ARMC9 (armadillo repeat containing 9; plus strand). Cytogenetic location: 2q37.1.
Variant type: single nucleotide variant.
Coding change: c.2396G>A on transcript NM_001352754.2 (MANE Select); coding-DNA position 2396, G replaced by A.
Protein change: p.Arg799His; replaces arginine 799 with histidine.
Molecular consequence: missense variant.
Genome position (GRCh38, 1-based): chr2:231,370,087, G>A. VCF-style: chr2-231370087-G-A. GRCh37 (hg19) VCF-style: chr2-232234798-G-A.
Other names: c.2396G>A, p.Arg799His (NM_001271466.4); short protein forms R799H.
Identifiers: ClinVar variation 1017502 (VCV001017502.4), dbSNP rs982692227, ClinGen allele CA66863868.
Genomic context (GRCh38, chr2:231,370,087, plus strand): 5'-AGGCAAAGGCGTCAGTTCTGGCCCCTCTGTTCTCTTCGTGTGGCCCCCAGCAGGCCAGCC[G>A]CCCCGGCTCCACAGCGTCCTCCACAAGGGGCCTGCCGAGTAAGTCAGCCTGGGCCCCACT-3'
Protein context (NP_001339683.2, residues 789-809): FSSCGPQQAS[Arg799His]PGSTASSTRG